The following is an entry in ClinVar:

NM_000429.3(MAT1A):c.293G>A (p.Gly98Asp)

Gene: MAT1A (methionine adenosyltransferase 1A; minus strand). Cytogenetic location: 10q22.3.
Variant type: single nucleotide variant.
Coding change: c.293G>A on transcript NM_000429.3 (MANE Select); coding-DNA position 293, G replaced by A.
Protein change: p.Gly98Asp; replaces glycine 98 with aspartic acid.
Molecular consequence: missense variant.
Genome position (GRCh38, 1-based): chr10:80,280,792, C>T on the plus strand (G>A on the coding strand, the complement: MAT1A is on the minus strand). VCF-style: chr10-80280792-C-T. GRCh37 (hg19) VCF-style: chr10-82040548-C-T.
Other names: short protein forms G98D.
Identifiers: ClinVar variation 1465911 (VCV001465911.9), dbSNP rs2132706282, ClinGen allele CA377363210.

ClinVar aggregate classification (germline): Uncertain significance. Review status: criteria provided, multiple submitters, no conflicts (2 of 4 stars). 2 submissions from 2 submitters: Uncertain significance (2). Last evaluated 2024-02-15.

Conditions:
Hepatic methionine adenosyltransferase deficiency. Also called: Isolated Persistent Hypermethioninemia; MAT I/III DEFICIENCY; Methionine adenosyltransferase deficiency; Deficiency of methionine adenosyltransferase. Identifiers: Orphanet 168598, MedGen C0268621, MeSH C564683, MONDO:0009607, OMIM 250850.

Submissions (2):

3billion
Classification: Uncertain significance for Hepatic methionine adenosyltransferase deficiency. Last evaluated: 2024-02-15. Review status: criteria provided, single submitter. Criteria: ACMG Guidelines, 2015. Collection method: clinical testing. Allele origin: germline. Affected: yes.
Comment: The variant is not observed in the gnomAD v2.1.1 dataset. Predicted Consequence/Location: Missense variant In silico tool predictions suggest damaging effect of the variant on gene or gene product [REVEL: 0.93 (>=0.6, sensitivity 0.68 and specificity 0.92); 3Cnet: 0.85 (>=0.6, sensitivity 0.72 and precision 0.9)]. A different missense change at the same codon (p.Gly98Ser) has been reported to be associated with MAT1A related disorder (ClinVar ID: VCV000431998 /PMID: 10677294). However the evidence of pathogenicity is insufficient at this time. Therefore, this variant is classified as VUS according to the recommendation of ACMG/AMP guideline.

Labcorp Genetics (formerly Invitae), Labcorp
Classification: Uncertain significance for Hepatic methionine adenosyltransferase deficiency. Last evaluated: 2021-06-01. Review status: criteria provided, single submitter. Criteria: Invitae Variant Classification Sherloc (09022015). Collection method: clinical testing. Allele origin: germline.
Comment: This sequence change replaces glycine with aspartic acid at codon 98 of the MAT1A protein (p.Gly98Asp). The glycine residue is highly conserved and there is a moderate physicochemical difference between glycine and aspartic acid. This variant is not present in population databases (ExAC no frequency). In summary, the available evidence is currently insufficient to determine the role of this variant in disease. Therefore, it has been classified as a Variant of Uncertain Significance. Algorithms developed to predict the effect of missense changes on protein structure and function (SIFT, PolyPhen-2, Align-GVGD) all suggest that this variant is likely to be disruptive, but these predictions have not been confirmed by published functional studies and their clinical significance is uncertain. This variant has not been reported in the literature in individuals with MAT1A-related conditions.

Literature cited by the submitters: PubMed 10677294 (cited by 3billion).